The following is an entry in ClinVar:

ClinVar aggregate classification (germline): Uncertain significance (1 of 4 stars; one submission).

Submission:

CeGaT Center for Human Genetics Tuebingen
Classification: Uncertain significance. Last evaluated: 2026-02-01. Review status: criteria provided, single submitter. Criteria: CeGaT Center For Human Genetics Tuebingen Variant Classification Criteria Version 2. Collection method: clinical testing. Allele origin: germline. Affected: yes. Observed: 1 variant allele.
Comment: PTPN1: PM2, PP2, PP3

NM_002827.4(PTPN1):c.45C>G (p.Ser15Arg)

Gene: PTPN1 (protein tyrosine phosphatase non-receptor type 1; plus strand). Cytogenetic location: 20q13.13.
Variant type: single nucleotide variant.
Coding change: c.45C>G on transcript NM_002827.4 (MANE Select); coding-DNA position 45, C replaced by G.
Protein change: p.Ser15Arg; replaces serine 15 with arginine.
Molecular consequence: missense variant. On other transcripts: 5 prime UTR variant (1).
Genome position (GRCh38, 1-based): chr20:50,510,572, C>G. VCF-style: chr20-50510572-C-G. GRCh37 (hg19) VCF-style: chr20-49127109-C-G.
Other names: c.-84C>G (NM_001278618.2); short protein forms S15R.
Identifiers: ClinVar variation 4823351 (VCV004823351.4).
Genomic context (GRCh38, chr20:50,510,572, plus strand): 5'-GCCGCCCTGGCCCGTCATGGAGATGGAAAAGGAGTTCGAGCAGATCGACAAGTCCGGGAG[C>G]TGGGCGGCCATTTACCAGGTGCGGGAGCGCCCCGGAGCGTGGCGGGCCCTTCGCTTAGGC-3'
Protein context (NP_002818.1, residues 5-25): KEFEQIDKSG[Ser15Arg]WAAIYQDIRH